The following is an entry in ClinVar:

ClinVar aggregate classification (germline): Likely pathogenic (1 of 4 stars; one submission).

Conditions:
Cataract 1 multiple types. Also called: CATARACT, DUFFY-LINKED; CATARACT 1, POSTERIOR SUBCAPSULAR, WITH MICROCORNEA; CATARACT 1, STELLATE NUCLEAR, WITH MICROCORNEA; CATARACT 1, MULTIPLE TYPES, WITH OR WITHOUT MICROCORNEA; CATARACT 1, NUCLEAR PROGRESSIVE; CATARACT 1 WITH MICROCORNEA. Identifiers: Orphanet 1377, MedGen C1861828, MONDO:0007285, OMIM 116200.

Submission:

Dept. Genetics and Cancer, Menzies Institute for Medical Research, University of Tasmania
Classification: Likely pathogenic for Cataract 1 multiple types. Last evaluated: 2023-01-21. Review status: criteria provided, single submitter. Criteria: ACMG Guidelines, 2015. Collection method: curation. Allele origin: germline. Affected: yes.
Comment: Variant identified and curated during a GJA8 specific review of the literature in relation to pediatric or congenital cataract. ACMG-AMP criteria applied: PP1(Moderate), PM1(Supporting), PM2(Supporting), PM5(Supporting), PP3. Original variant report: PMID:31844091. The cataract phenotype reported for this variant is: Perinuclear. Gene review and curation guidelines are outlined in: DOI 10.1080/17469899.2023.2160320

Literature cited by the submitters: PubMed 31844091.

NM_005267.5(GJA8):c.217T>C (p.Ser73Pro)

Gene: GJA8 (gap junction protein alpha 8; plus strand). Cytogenetic location: 1q21.2.
Variant type: single nucleotide variant.
Coding change: c.217T>C on transcript NM_005267.5 (MANE Select); coding-DNA position 217, T replaced by C.
Protein change: p.Ser73Pro; replaces serine 73 with proline.
Molecular consequence: missense variant.
Genome position (GRCh38, 1-based): chr1:147,908,172, T>C. VCF-style: chr1-147908172-T-C. GRCh37 (hg19) VCF-style: chr1-147380299-T-C.
Other names: short protein forms S73P.
Identifiers: ClinVar variation 3253724 (VCV003253724.1), dbSNP rs2524889508.